The following is an entry in ClinVar:

NM_003482.4(KMT2D):c.4987G>A (p.Glu1663Lys)

Gene: KMT2D (lysine methyltransferase 2D; minus strand). Cytogenetic location: 12q13.12.
Variant type: single nucleotide variant.
Coding change: c.4987G>A on transcript NM_003482.4 (MANE Select); coding-DNA position 4987, G replaced by A.
Protein change: p.Glu1663Lys; replaces glutamic acid 1663 with lysine.
Molecular consequence: missense variant.
Genome position (GRCh38, 1-based): chr12:49,044,499, C>T on the plus strand (G>A on the coding strand, the complement: KMT2D is on the minus strand). VCF-style: chr12-49044499-C-T. GRCh37 (hg19) VCF-style: chr12-49438282-C-T.
Other names: short protein forms E1663K.
Identifiers: ClinVar variation 3574806 (VCV003574806.2).

ClinVar aggregate classification (germline): Uncertain significance. Review status: criteria provided, multiple submitters, no conflicts (2 of 4 stars). 2 submissions from 2 submitters: Uncertain significance (2). Last evaluated 2026-05-03.

Conditions:
Kabuki syndrome 1 (KABUK1). Also called: KMT2D-Related Kabuki Syndrome. Identifiers: Orphanet 2322, MedGen CN030661, MONDO:0007843, OMIM 147920.
Choanal atresia-athelia-hypothyroidism-delayed puberty-short stature syndrome (BCAHH). Also called: BRANCHIAL ARCH ABNORMALITIES, CHOANAL ATRESIA, ATHELIA, HEARING LOSS, AND HYPOTHYROIDISM SYNDROME. Identifiers: Orphanet 589856, MedGen C5680310, MONDO:0035651, OMIM 620186.
KMT2D-related disorder. Also called: KMT2D-Related Disorders.

Submissions (2):

PreventionGenetics, part of Exact Sciences
Classification: Uncertain significance for KMT2D-related condition. Last evaluated: 2026-05-03. Review status: criteria provided, single submitter. Criteria: ACMG Guidelines, 2015. Collection method: clinical testing. Allele origin: germline.
Comment: The KMT2D c.4987G>A variant is predicted to result in the amino acid substitution p.Glu1663Lys. This variant was reported in an individual with a paraganglioma (Seo et al. 2020. PubMed ID: 33397043). This variant is reported in 0.00088% of alleles in individuals of European (Non-Finnish) descent in gnomAD. At this time, the clinical significance of this variant is uncertain due to the absence of conclusive functional and genetic evidence.

Fulgent Genetics
Classification: Uncertain significance for Kabuki syndrome 1; Choanal atresia-athelia-hypothyroidism-delayed puberty-short stature syndrome. Last evaluated: 2024-01-05. Review status: criteria provided, single submitter. Criteria: ACMG Guidelines, 2015. Collection method: clinical testing. Allele origin: germline.